The following is an entry in ClinVar:

ClinVar aggregate classification (germline): Uncertain significance (1 of 4 stars; one submission).

Conditions:
Early Myoclonic Encephalopathy. Identifiers: MedGen C0270855.

gnomAD v4.1: 1 of 1,613,960 alleles (0.000062%); highest among the groups gnomAD compares: Non-Finnish European, 0.000085%; no homozygotes.

Submission:

Labcorp Genetics (formerly Invitae), Labcorp
Classification: Uncertain significance for Early Myoclonic Encephalopathy. Last evaluated: 2024-05-10. Review status: criteria provided, single submitter. Criteria: Invitae Variant Classification Sherloc (09022015). Collection method: clinical testing. Allele origin: germline.
Comment: This sequence change replaces valine, which is neutral and non-polar, with isoleucine, which is neutral and non-polar, at codon 790 of the JMJD1C protein (p.Val790Ile). This variant is not present in population databases (gnomAD no frequency). This variant has not been reported in the literature in individuals affected with JMJD1C-related conditions. Advanced modeling of protein sequence and biophysical properties (such as structural, functional, and spatial information, amino acid conservation, physicochemical variation, residue mobility, and thermodynamic stability) performed at Invitae indicates that this missense variant is not expected to disrupt JMJD1C protein function with a negative predictive value of 80%. In summary, the available evidence is currently insufficient to determine the role of this variant in disease. Therefore, it has been classified as a Variant of Uncertain Significance.

NM_032776.3(JMJD1C):c.2368G>A (p.Val790Ile)

Gene: JMJD1C (jumonji domain containing 1C; minus strand). Cytogenetic location: 10q21.3.
Variant type: single nucleotide variant.
Coding change: c.2368G>A on transcript NM_032776.3 (MANE Select); coding-DNA position 2368, G replaced by A.
Protein change: p.Val790Ile; replaces valine 790 with isoleucine.
Molecular consequence: missense variant. On other transcripts: non-coding transcript variant (1).
Genome position (GRCh38, 1-based): chr10:63,213,799, C>T on the plus strand (G>A on the coding strand, the complement: JMJD1C is on the minus strand). VCF-style: chr10-63213799-C-T. GRCh37 (hg19) VCF-style: chr10-64973559-C-T.
Other names: c.1822G>A, p.Val608Ile (NM_001282948.2, NM_001318154.2); c.1504G>A, p.Val502Ile (NM_001318153.2); c.2254G>A, p.Val752Ile (NM_001322252.2); c.1711G>A, p.Val571Ile (NM_001322254.2, NM_001322258.2); short protein forms V571I, V608I, V752I, V790I, V502I.
Identifiers: ClinVar variation 3652879 (VCV003652879.2).
Genomic context (GRCh38, chr10:63,213,799, plus strand): 5'-CAAGTAAGGAGGCAGTAGGCACTCCAGGTAACACAGTGGGAAGTAAATGAGGGTGATGAA[C>T]AGCATGGTGTGGACCACTAGTCAGAGGATGAGTGTTAATGGTAGGTAATGGAGTTTGACT-3'
Protein context (NP_116165.1, residues 780-800): HPLTSGPHHA[Val790Ile]HHPHLLPTVL